The following is an entry in ClinVar:

ClinVar aggregate classification (germline): Likely benign. Review status: criteria provided, multiple submitters, no conflicts (2 of 4 stars). 4 submissions from 4 submitters: Likely benign (4). Last evaluated 2026-01-14.

Conditions:
Maple syrup urine disease (MSUD). Identifiers: Orphanet 511, MedGen C0024776, MeSH D008375, MONDO:0009563. Disease mechanism: loss of function.
Inborn genetic diseases. Identifiers: MedGen C0950123, MeSH D030342.

Allele frequency attached by ClinVar (database versions not stated): ESP Exome Variant Server 0.00046; ExAC 0.00012; gnomAD exomes 0.00012 and 0.00034; gnomAD 0.00016 and 0.00017; TOPMed 0.00016.
gnomAD v4.1: 513 of 1,614,076 alleles (0.032%); highest among the groups gnomAD compares: Non-Finnish European, 0.042%; no homozygotes.

Submissions (4):

Labcorp Genetics (formerly Invitae), Labcorp
Classification: Likely benign for Maple syrup urine disease. Last evaluated: 2026-01-14. Review status: criteria provided, single submitter. Criteria: Invitae Variant Classification Sherloc (09022015). Collection method: clinical testing. Allele origin: germline.

Blueprint Genetics
Classification: Likely benign. Last evaluated: 2024-10-01. Review status: criteria provided, single submitter. Criteria: ACMG Guidelines, 2015. Collection method: clinical testing. Allele origin: germline.

Ambry Genetics
Classification: Likely benign for Inborn genetic diseases. Last evaluated: 2024-02-09. Review status: criteria provided, single submitter. Criteria: Ambry Variant Classification Scheme 2023. Collection method: clinical testing. Allele origin: germline.

GeneDx
Classification: Likely benign. Last evaluated: 2017-10-12. Review status: criteria provided, single submitter. Criteria: GeneDx Variant Classification (06012015). Collection method: clinical testing. Allele origin: germline. Affected: yes.
Comment: This variant is considered likely benign or benign based on one or more of the following criteria: it is a conservative change, it occurs at a poorly conserved position in the protein, it is predicted to be benign by multiple in silico algorithms, and/or has population frequency not consistent with disease.

NM_000709.4(BCKDHA):c.213C>T (p.Asn71=)

Gene: BCKDHA (branched chain keto acid dehydrogenase E1 subunit alpha; plus strand). Cytogenetic location: 19q13.2.
Variant type: single nucleotide variant.
Coding change: c.213C>T on transcript NM_000709.4 (MANE Select); coding-DNA position 213, C replaced by T.
Protein change: p.Asn71=; no amino-acid change (asparagine 71 retained).
Molecular consequence: synonymous variant.
Genome position (GRCh38, 1-based): chr19:41,410,741, C>T. VCF-style: chr19-41410741-C-T. GRCh37 (hg19) VCF-style: chr19-41916646-C-T.
Other names: c.213C>T, p.Asn71= (NM_001164783.2).
Identifiers: ClinVar variation 392392 (VCV000392392.15), dbSNP rs138025447, ClinGen allele CA9461027.